The following is an entry in ClinVar:

ClinVar aggregate classification (germline): Uncertain significance (1 of 4 stars; one submission).

gnomAD v4.1: 5 of 1,612,722 alleles (0.00031%); highest among the groups gnomAD compares: Non-Finnish European, 0.00042%; no homozygotes.

Submission:

Labcorp Genetics (formerly Invitae), Labcorp
Classification: Uncertain significance. Last evaluated: 2024-11-13. Review status: criteria provided, single submitter. Criteria: Invitae Variant Classification Sherloc (09022015). Collection method: clinical testing. Allele origin: germline.
Comment: This sequence change replaces methionine, which is neutral and non-polar, with lysine, which is basic and polar, at codon 789 of the COL11A2 protein (p.Met789Lys). This variant is not present in population databases (gnomAD no frequency). This variant has not been reported in the literature in individuals affected with COL11A2-related conditions. Invitae Evidence Modeling of protein sequence and biophysical properties (such as structural, functional, and spatial information, amino acid conservation, physicochemical variation, residue mobility, and thermodynamic stability) indicates that this missense variant is not expected to disrupt COL11A2 protein function with a negative predictive value of 95%. In summary, the available evidence is currently insufficient to determine the role of this variant in disease. Therefore, it has been classified as a Variant of Uncertain Significance.

NM_080680.3(COL11A2):c.2366T>A (p.Met789Lys)

Gene: COL11A2 (collagen type XI alpha 2 chain; minus strand). Cytogenetic location: 6p21.32.
Variant type: single nucleotide variant.
Coding change: c.2366T>A on transcript NM_080680.3 (MANE Select); coding-DNA position 2366, T replaced by A.
Protein change: p.Met789Lys; replaces methionine 789 with lysine.
Molecular consequence: missense variant.
Genome position (GRCh38, 1-based): chr6:33,175,584, A>T on the plus strand (T>A on the coding strand, the complement: COL11A2 is on the minus strand). VCF-style: chr6-33175584-A-T. GRCh37 (hg19) VCF-style: chr6-33143361-A-T.
Other names: c.2186T>A, p.Met729Lys (NM_001424108.1); c.1520T>A, p.Met507Lys (NM_001424109.1); c.1340T>A, p.Met447Lys (NM_001424110.1, NM_001424111.1); c.320T>A, p.Met107Lys (NM_001424112.1); c.2045T>A, p.Met682Lys (NM_080679.3); c.2108T>A, p.Met703Lys (NM_080681.3); short protein forms M447K, M729K, M507K, M703K, M107K, M682K, M789K.
Identifiers: ClinVar variation 3696072 (VCV003696072.2).